The following is an entry in ClinVar:

NM_001042492.3(NF1):c.888+2T>A

Gene: NF1 (neurofibromin 1; plus strand). Cytogenetic location: 17q11.2.
Variant type: single nucleotide variant.
Coding change: c.888+2T>A on transcript NM_001042492.3 (MANE Select); the canonical splice donor site of the intron after coding-DNA position 888, T replaced by A.
Molecular consequence: splice donor variant.
Genome position (GRCh38, 1-based): chr17:31,182,667, T>A. VCF-style: chr17-31182667-T-A. GRCh37 (hg19) VCF-style: chr17-29509685-T-A.
Other names: c.888+2T>A (NM_000267.4, NM_001128147.3).
Identifiers: ClinVar variation 1068415 (VCV001068415.5), dbSNP rs2066160116, ClinGen allele CA398991323.

ClinVar aggregate classification (germline): Pathogenic (1 of 4 stars; one submission).

Conditions:
Neurofibromatosis, type 1 (NF1). Also called: VON RECKLINGHAUSEN DISEASE; Peripheral type neurofibromatosis; NEUROFIBROMATOSIS, TYPE I, SOMATIC; Neurofibromatosis, type I. Identifiers: Orphanet 636, MedGen C0027831, MONDO:0018975, OMIM 162200. Disease mechanism: loss of function.

Submission:

Labcorp Genetics (formerly Invitae), Labcorp
Classification: Pathogenic for Neurofibromatosis, type 1. Last evaluated: 2026-01-22. Review status: criteria provided, single submitter. Criteria: Invitae Variant Classification Sherloc (09022015). Collection method: clinical testing. Allele origin: germline.
Comment: This sequence change affects a donor splice site in intron 8 of the NF1 gene. It is expected to disrupt RNA splicing. Variants that disrupt the donor or acceptor splice site typically lead to a loss of protein function (PMID: 16199547), and loss-of-function variants in NF1 are known to be pathogenic (PMID: 10712197, 23913538). This variant is not present in population databases (gnomAD no frequency). Disruption of this splice site has been observed in individuals with neurofibromatosis type 1 (PMID: 10712197, 20844836). ClinVar contains an entry for this variant (Variation ID: 1068415). Algorithms developed to predict the effect of sequence changes on RNA splicing suggest that this variant may disrupt the consensus splice site. For these reasons, this variant has been classified as Pathogenic.

Literature cited by the submitters: PubMed 16199547; PubMed 10712197; PubMed 23913538; PubMed 20844836.